The following is an entry in ClinVar:

NM_001903.5(CTNNA1):c.1576T>A (p.Cys526Ser)

Gene: CTNNA1 (catenin alpha 1; plus strand). Cytogenetic location: 5q31.2.
Variant type: single nucleotide variant.
Coding change: c.1576T>A on transcript NM_001903.5 (MANE Select); coding-DNA position 1576, T replaced by A.
Protein change: p.Cys526Ser; replaces cysteine 526 with serine.
Molecular consequence: missense variant.
Genome position (GRCh38, 1-based): chr5:138,924,539, T>A. VCF-style: chr5-138924539-T-A. GRCh37 (hg19) VCF-style: chr5-138260228-T-A.
Other names: c.1576T>A, p.Cys526Ser (NM_001290307.3, NM_001323982.2, NM_001323983.1 and 2 more transcripts); c.1267T>A, p.Cys423Ser (NM_001290309.3); c.1207T>A, p.Cys403Ser (NM_001290310.3); c.466T>A, p.Cys156Ser (NM_001290312.1, NM_001323987.1, NM_001323988.1 and 17 more transcripts); c.1483T>A, p.Cys495Ser (NM_001323986.2); c.127T>A, p.Cys43Ser (NM_001324006.1, NM_001324007.1, NM_001324008.1 and 2 more transcripts); c.373T>A, p.Cys125Ser (NM_001324011.1); c.223T>A, p.Cys75Ser (NM_001324012.1, NM_001324013.1); short protein forms C403S, C495S, C125S, C423S, C43S, C75S, C156S, C526S.
Identifiers: ClinVar variation 4742714 (VCV004742714.1).
Genomic context (GRCh38, chr5:138,924,539, plus strand): 5'-TTCCTCATTCAACTTTTTGCTTGTTCTCCAGAGAATCACATTTTGGAAGATGTGAACAAA[T>A]GTGTCATTGCTCTCCAAGAGAAGGATGTGGATGGCCTGGACCGCACAGCTGGTGCAATTC-3'
Protein context (NP_001894.2, residues 516-536): ENHILEDVNK[Cys526Ser]VIALQEKDVD

ClinVar aggregate classification (germline): Uncertain significance (1 of 4 stars; one submission).

Submission:

Labcorp Genetics (formerly Invitae), Labcorp
Classification: Uncertain significance. Last evaluated: 2025-12-14. Review status: criteria provided, single submitter. Criteria: Invitae Variant Classification Sherloc (09022015). Collection method: clinical testing. Allele origin: germline.
Comment: This sequence change replaces cysteine, which is neutral and slightly polar, with serine, which is neutral and polar, at codon 526 of the CTNNA1 protein (p.Cys526Ser). This variant is not present in population databases (gnomAD no frequency). This variant has not been reported in the literature in individuals affected with CTNNA1-related conditions. Invitae Evidence Modeling of protein sequence and biophysical properties (such as structural, functional, and spatial information, amino acid conservation, physicochemical variation, residue mobility, and thermodynamic stability) indicates that this missense variant is not expected to disrupt CTNNA1 protein function with a negative predictive value of 80%. In summary, the available evidence is currently insufficient to determine the role of this variant in disease. Therefore, it has been classified as a Variant of Uncertain Significance.